The following is an entry in ClinVar:

NM_019032.6(ADAMTSL4):c.1234+166T>C

Genes: ADAMTSL4 (ADAMTS like 4; plus strand), ADAMTSL4-AS2 (ADAMTSL4 antisense RNA 2; minus strand). Cytogenetic location: 1q21.2.
Variant type: single nucleotide variant.
Coding change: c.1234+166T>C on transcript NM_019032.6 (MANE Select); 166 bases into the intron after coding-DNA position 1234, T replaced by C.
Molecular consequence: intron variant. On other transcripts: synonymous variant (2).
Genome position (GRCh38, 1-based): chr1:150,554,633, T>C. VCF-style: chr1-150554633-T-C. GRCh37 (hg19) VCF-style: chr1-150527109-T-C.
Other names: c.1302T>C, p.Gly434= (NM_001288607.2, NM_001288608.2); c.1234+166T>C (NM_001378596.1, NM_025008.5); c.1302T>C (NM_001288608.1).
Identifiers: ClinVar variation 1262092 (VCV001262092.5), dbSNP rs12095798, ClinGen allele CA1078190.

ClinVar aggregate classification (germline): Benign. Review status: criteria provided, multiple submitters, no conflicts (2 of 4 stars). 3 submissions from 3 submitters: Benign (2). 1 of the submissions does not count toward it. Last evaluated 2018-10-01.

Conditions:
ADAMTSL4-related disorder. Also called: ADAMTSL4-Related Disorders; ADAMTSL4-related condition.

Allele frequency attached by ClinVar (database versions not stated): gnomAD exomes 0.00458 and 0.01022; ExAC 0.01412; gnomAD 0.04204 and 0.04471; TOPMed 0.04599; 1000 Genomes Project 0.04972; 1000 Genomes Project 30x 0.05075.
gnomAD v4.1: 13,067 of 1,542,168 alleles (0.85%); highest among the groups gnomAD compares: African/African-American, 14%; 819 homozygotes.

Submissions (3):

GeneDx
Classification: Benign. Last evaluated: 2018-10-01. Review status: criteria provided, single submitter. Criteria: GeneDx Variant Classification Process June 2021. Collection method: clinical testing. Allele origin: germline. Affected: yes.

Breakthrough Genomics
Classification: Benign. Review status: criteria provided, single submitter. Criteria: ACMG Guidelines, 2015. Collection method: not provided. Allele origin: germline. Inheritance: Autosomal recessive inheritance. Affected: yes.

PreventionGenetics, part of Exact Sciences
Classification: Benign for ADAMTSL4-related condition. Last evaluated: 2019-10-16. Review status: no assertion criteria provided. Collection method: clinical testing. Allele origin: germline. Not counted in ClinVar's aggregate classification.
Comment: This variant is classified as benign based on ACMG/AMP sequence variant interpretation guidelines (Richards et al. 2015 PMID: 25741868, with internal and published modifications).